The following is an entry in ClinVar:

ClinVar aggregate classification (germline): Conflicting classifications of pathogenicity. Review status: criteria provided, conflicting classifications (1 of 4 stars). 2 submissions from 2 submitters: Uncertain significance (1); Likely benign (1). Last evaluated 2026-03-01.

Conditions:
Inborn genetic diseases. Identifiers: MedGen C0950123, MeSH D030342.

Submissions (2):

CeGaT Center for Human Genetics Tuebingen
Classification: Likely benign. Last evaluated: 2026-03-01. Review status: criteria provided, single submitter. Criteria: CeGaT Center For Human Genetics Tuebingen Variant Classification Criteria Version 2. Collection method: clinical testing. Allele origin: germline. Affected: yes. Observed: 1 variant allele.
Comment: SHANK3: BP4, BS2

Ambry Genetics
Classification: Uncertain significance for Inborn genetic diseases. Last evaluated: 2025-04-10. Review status: criteria provided, single submitter. Criteria: Ambry Variant Classification Scheme 2023. Collection method: clinical testing. Allele origin: germline.

NM_001372044.2(SHANK3):c.1462C>T (p.Arg488Trp)

Gene: SHANK3 (SH3 and multiple ankyrin repeat domains 3; plus strand). Cytogenetic location: 22q13.33.
Variant type: single nucleotide variant.
Coding change: c.1462C>T on transcript NM_001372044.2 (MANE Select); coding-DNA position 1462, C replaced by T.
Protein change: p.Arg488Trp; replaces arginine 488 with tryptophan.
Molecular consequence: missense variant.
Genome position (GRCh38, 1-based): chr22:50,694,981, C>T. VCF-style: chr22-50694981-C-T. GRCh37 (hg19) VCF-style: chr22-51133409-C-T.
Other names: c.1237C>T (NM_033517.1); short protein forms R488W.
Identifiers: ClinVar variation 3953937 (VCV003953937.5).